The following is an entry in ClinVar:

ClinVar aggregate classification (germline): Uncertain significance (1 of 4 stars; one submission).

Conditions:
Aspartylglucosaminuria (AGU). Also called: AGA DEFICIENCY; GLYCOASPARAGINASE; GLYCOSYLASPARAGINASE DEFICIENCY; Aspartylglucos-aminuria; Aspartylglucos-amidase (AGA) deficiency. Identifiers: Orphanet 93, MedGen C0268225, MONDO:0008830, OMIM 208400, HP:0012068.

gnomAD v4.1: 1 of 1,614,014 alleles (0.000062%); highest among the groups gnomAD compares: Non-Finnish European, 0.000085%; no homozygotes.

Submission:

Labcorp Genetics (formerly Invitae), Labcorp
Classification: Uncertain significance for Aspartylglucosaminuria. Last evaluated: 2022-09-06. Review status: criteria provided, single submitter. Criteria: Invitae Variant Classification Sherloc (09022015). Collection method: clinical testing. Allele origin: germline.
Comment: Algorithms developed to predict the effect of missense changes on protein structure and function are either unavailable or do not agree on the potential impact of this missense change (SIFT: "Deleterious"; PolyPhen-2: "Benign"; Align-GVGD: "Class C15"). This variant has not been reported in the literature in individuals affected with AGA-related conditions. This variant is not present in population databases (gnomAD no frequency). This sequence change replaces asparagine, which is neutral and polar, with isoleucine, which is neutral and non-polar, at codon 259 of the AGA protein (p.Asn259Ile). In summary, the available evidence is currently insufficient to determine the role of this variant in disease. Therefore, it has been classified as a Variant of Uncertain Significance.

NM_000027.4(AGA):c.776A>T (p.Asn259Ile)

Gene: AGA (aspartylglucosaminidase; minus strand). Cytogenetic location: 4q34.3.
Variant type: single nucleotide variant.
Coding change: c.776A>T on transcript NM_000027.4 (MANE Select); coding-DNA position 776, A replaced by T.
Protein change: p.Asn259Ile; replaces asparagine 259 with isoleucine.
Molecular consequence: missense variant. On other transcripts: non-coding transcript variant (1).
Genome position (GRCh38, 1-based): chr4:177,434,412, T>A on the plus strand (A>T on the coding strand, the complement: AGA is on the minus strand). VCF-style: chr4-177434412-T-A. GRCh37 (hg19) VCF-style: chr4-178355566-T-A.
Other names: c.746A>T, p.Asn249Ile (NM_001171988.2); short protein forms N249I, N259I.
Identifiers: ClinVar variation 2005918 (VCV002005918.4), dbSNP rs1306999394, ClinGen allele CA358782147.
Genomic context (GRCh38, chr4:177,434,412, plus strand): 5'-CTCTAAAATTCACAAACTAAGAAGTCATACCTTGGCAGGAAGCGCATCAATATATCACCA[T>A]TCCCAGTGGCTGCGGCTGCCCCTGCAGTATCGTCAGCATAGGCTCCAGCTCCAGGTATTG-3'
Protein context (NP_000018.2, residues 249-269): DTAGAAAATG[Asn259Ile]GDILMRFLPS